The following is an entry in ClinVar:

ClinVar aggregate classification (germline): Uncertain significance (1 of 4 stars; one submission).

gnomAD v4.1: 1 of 1,529,948 alleles (0.000065%); highest among the groups gnomAD compares: Non-Finnish European, 0.000087%; no homozygotes.

Submission:

Labcorp Genetics (formerly Invitae), Labcorp
Classification: Uncertain significance. Last evaluated: 2021-06-23. Review status: criteria provided, single submitter. Criteria: Invitae Variant Classification Sherloc (09022015). Collection method: clinical testing. Allele origin: germline.
Comment: This sequence change replaces glutamic acid with aspartic acid at codon 226 of the NEFH protein (p.Glu226Asp). The glutamic acid residue is highly conserved and there is a small physicochemical difference between glutamic acid and aspartic acid. The frequency data for this variant in the population databases is considered unreliable, as metrics indicate insufficient coverage at this position in the ExAC database. This variant has not been reported in the literature in individuals with NEFH-related conditions. Advanced modeling of protein sequence and biophysical properties (such as structural, functional, and spatial information, amino acid conservation, physicochemical variation, residue mobility, and thermodynamic stability) performed at Invitae indicates that this missense variant is not expected to disrupt NEFH protein function. In summary, the available evidence is currently insufficient to determine the role of this variant in disease. Therefore, it has been classified as a Variant of Uncertain Significance.

NM_021076.4(NEFH):c.678G>T (p.Glu226Asp)

Gene: NEFH (neurofilament heavy chain; plus strand). Cytogenetic location: 22q12.2.
Variant type: single nucleotide variant.
Coding change: c.678G>T on transcript NM_021076.4 (MANE Select); coding-DNA position 678, G replaced by T.
Protein change: p.Glu226Asp; replaces glutamic acid 226 with aspartic acid.
Molecular consequence: missense variant.
Genome position (GRCh38, 1-based): chr22:29,480,940, G>T. VCF-style: chr22-29480940-G-T. GRCh37 (hg19) VCF-style: chr22-29876929-G-T.
Other names: short protein forms E226D.
Identifiers: ClinVar variation 1491314 (VCV001491314.8), dbSNP rs533262714, ClinGen allele CA411123616.